The following is an entry in ClinVar:

ClinVar aggregate classification (germline): Pathogenic/Likely pathogenic. Review status: criteria provided, multiple submitters, no conflicts (2 of 4 stars). 2 submissions from 2 submitters: Pathogenic (1); Likely pathogenic (1). Last evaluated 2022-04-21.

Conditions:
CHM-related disorders.

Submissions (2):

Blueprint Genetics
Classification: Likely pathogenic for CHM-related disorders. Last evaluated: 2022-04-21. Review status: criteria provided, single submitter. Criteria: ACMG Guidelines, 2015. Collection method: clinical testing. Allele origin: germline. Affected: yes. Observed: 1 variant allele.

Labcorp Genetics (formerly Invitae), Labcorp
Classification: Pathogenic. Last evaluated: 2021-08-26. Review status: criteria provided, single submitter. Criteria: Invitae Variant Classification Sherloc (09022015). Collection method: clinical testing. Allele origin: germline.
Comment: For these reasons, this variant has been classified as Pathogenic. This variant has not been reported in the literature in individuals affected with CHM-related conditions. This variant is not present in population databases (ExAC no frequency). This sequence change creates a premature translational stop signal (p.Asn538Metfs*4) in the CHM gene. It is expected to result in an absent or disrupted protein product. Loss-of-function variants in CHM are known to be pathogenic (PMID: 9067750, 23811034).

Literature cited by the submitters: PubMed 9067750 (cited by Labcorp Genetics (formerly Invitae), Labcorp); PubMed 23811034 (cited by Labcorp Genetics (formerly Invitae), Labcorp).

NM_000390.4(CHM):c.1613del (p.Asn538fs)

Gene: CHM (CHM Rab escort protein; minus strand). Cytogenetic location: Xq21.2.
Variant type: Deletion.
Coding change: c.1613del on transcript NM_000390.4 (MANE Select); coding-DNA position 1613, one base deleted (A; older notation c.1613delA).
Protein change: p.Asn538fs; shifts the reading frame from asparagine 538.
Molecular consequence: frameshift variant.
Genome position (GRCh38, 1-based): chrX:85,873,209, T deleted on the plus strand (A on the coding strand, the reverse complement: CHM is on the minus strand); the first of 4 consecutive T bases (chrX:85,873,209-85,873,212); deleting any one gives the same sequence. VCF-style (leftmost placement, unchanged base first): chrX-85873208-AT-A. GRCh37 (hg19) VCF-style: chrX-85128213-AT-A.
Other names: c.1169del, p.Asn390fs (NM_001320959.1, NM_001362517.1, NM_001362518.2 and 1 more transcripts); short protein forms N538fs, N390fs.
Identifiers: ClinVar variation 1422481 (VCV001422481.7), dbSNP rs2148120711, ClinGen allele CA2573159639.